The following is an entry in ClinVar:

ClinVar aggregate classification (germline): Uncertain significance (1 of 4 stars; one submission).

Conditions:
Peroxisome biogenesis disorder 2B (PBD2B). Identifiers: Orphanet 44, MedGen C3550234, MONDO:0008736, OMIM 202370.

Allele frequency attached by ClinVar (database versions not stated): TOPMed 0.00005; gnomAD 0.00007.
gnomAD v4.1: 14 of 1,614,018 alleles (0.00087%); highest among the groups gnomAD compares: African/African-American, 0.017%; no homozygotes.

Submission:

Labcorp Genetics (formerly Invitae), Labcorp
Classification: Uncertain significance for Peroxisome biogenesis disorder 2B. Last evaluated: 2022-06-13. Review status: criteria provided, single submitter. Criteria: Invitae Variant Classification Sherloc (09022015). Collection method: clinical testing. Allele origin: germline.
Comment: This sequence change replaces valine, which is neutral and non-polar, with leucine, which is neutral and non-polar, at codon 479 of the PEX5 protein (p.Val479Leu). This variant is present in population databases (rs751226125, gnomAD 0.01%). This variant has not been reported in the literature in individuals affected with PEX5-related conditions. Algorithms developed to predict the effect of missense changes on protein structure and function are either unavailable or do not agree on the potential impact of this missense change (SIFT: "Tolerated"; PolyPhen-2: "Possibly Damaging"; Align-GVGD: "Class C0"). In summary, the available evidence is currently insufficient to determine the role of this variant in disease. Therefore, it has been classified as a Variant of Uncertain Significance.

NM_001351132.2(PEX5):c.1435G>C (p.Val479Leu)

Gene: PEX5 (peroxisomal biogenesis factor 5; plus strand). Cytogenetic location: 12p13.31.
Variant type: single nucleotide variant.
Coding change: c.1435G>C on transcript NM_001351132.2 (MANE Select); coding-DNA position 1435, G replaced by C.
Protein change: p.Val479Leu; replaces valine 479 with leucine.
Molecular consequence: missense variant.
Genome position (GRCh38, 1-based): chr12:7,209,045, G>C. VCF-style: chr12-7209045-G-C. GRCh37 (hg19) VCF-style: chr12-7361641-G-C.
Other names: c.1411G>C, p.Val471Leu (NM_000319.5); c.1480G>C, p.Val494Leu (NM_001131023.2); c.1324G>C, p.Val442Leu (NM_001131024.2, NM_001351124.3, NM_001351126.2 and 7 more transcripts); c.1435G>C, p.Val479Leu (NM_001131025.2, NM_001131026.2, NM_001300789.3 and 4 more transcripts); c.1369G>C, p.Val457Leu (NM_001351135.3, NM_001351138.2); c.1426G>C, p.Val476Leu (NM_001351136.2); c.1300G>C, p.Val434Leu (NM_001351139.2, NM_001351140.2, NM_001374649.2); short protein forms V471L, V434L, V476L, V442L, V457L, V479L, V494L.
Identifiers: ClinVar variation 1394318 (VCV001394318.3), dbSNP rs751226125, ClinGen allele CA6426467.